The following is an entry in ClinVar:

NM_001267550.2(TTN):c.86127dup (p.Tyr28710fs)

Genes: TTN (titin; minus strand), TTN-AS1 (TTN antisense RNA 1; plus strand). Cytogenetic location: 2q31.2.
Variant type: Duplication.
Coding change: c.86127dup on transcript NM_001267550.2 (MANE Select); coding-DNA position 86127, one base duplicated (A; older notation c.86127dupA).
Protein change: p.Tyr28710fs; shifts the reading frame from tyrosine 28710.
Molecular consequence: frameshift variant.
Genome position (GRCh38, 1-based): chr2:178,560,005, T duplicated on the plus strand (A on the coding strand, the reverse complement: TTN is on the minus strand); the first of 2 consecutive T bases (chr2:178,560,005-178,560,006); duplicating either gives the same sequence. VCF-style (leftmost placement, unchanged base first): chr2-178560004-A-AT. GRCh37 (hg19) VCF-style: chr2-179424731-A-AT.
Other names: c.81204dup, p.Tyr27069fs (NM_001256850.1); c.58932dup, p.Tyr19645fs (NM_003319.4); c.78423dup, p.Tyr26142fs (NM_133378.4); c.59307dup, p.Tyr19770fs (NM_133432.3); c.59508dup, p.Tyr19837fs (NM_133437.4); short protein forms Y19645fs, Y19770fs, Y19837fs, Y26142fs, Y27069fs, Y28710fs.
Identifiers: ClinVar variation 3382370 (VCV003382370.3).

ClinVar aggregate classification (germline): Likely pathogenic (1 of 4 stars; one submission).

Conditions:
Dilated cardiomyopathy 1G (CMD1G). Identifiers: Orphanet 154, MedGen C1858763, MONDO:0011400, OMIM 604145.

Submission:

Juno Genomics, Hangzhou Juno Genomics, Inc
Classification: Likely pathogenic for Dilated cardiomyopathy 1G. Review status: criteria provided, single submitter. Criteria: ACMG Guidelines, 2015. Collection method: clinical testing. Allele origin: germline.
Comment: Absent from controls (or at extremely low frequency if recessive) in Genome Aggregation Database.;Null variant in a gene where loss of function (LOF) is a known mechanism of disease.